The following is an entry in ClinVar:

NM_003737.4(DCHS1):c.7285+6T>A

Gene: DCHS1 (dachsous cadherin-related 1; minus strand). Cytogenetic location: 11p15.4.
Variant type: single nucleotide variant.
Coding change: c.7285+6T>A on transcript NM_003737.4 (MANE Select); 6 bases into the intron after coding-DNA position 7285, T replaced by A.
Molecular consequence: intron variant.
Genome position (GRCh38, 1-based): chr11:6,624,724, A>T on the plus strand (T>A on the coding strand, the complement: DCHS1 is on the minus strand). VCF-style: chr11-6624724-A-T. GRCh37 (hg19) VCF-style: chr11-6645955-A-T.
Identifiers: ClinVar variation 2782518 (VCV002782518.3), dbSNP rs1279375244, ClinGen allele CA597274231.

ClinVar aggregate classification (germline): Uncertain significance (1 of 4 stars; one submission).

Allele frequency attached by ClinVar (database versions not stated): gnomAD exomes 0.00001.
gnomAD v4.1: 15 of 1,613,926 alleles (0.00093%); highest among the groups gnomAD compares: Middle Eastern, 0.016%; no homozygotes.

Submission:

Labcorp Genetics (formerly Invitae), Labcorp
Classification: Uncertain significance. Last evaluated: 2023-03-27. Review status: criteria provided, single submitter. Criteria: Invitae Variant Classification Sherloc (09022015). Collection method: clinical testing. Allele origin: germline.
Comment: This sequence change falls in intron 20 of the DCHS1 gene. It does not directly change the encoded amino acid sequence of the DCHS1 protein. It affects a nucleotide within the consensus splice site. This variant is present in population databases (no rsID available, gnomAD 0.0009%). This variant has not been reported in the literature in individuals affected with DCHS1-related conditions. Variants that disrupt the consensus splice site are a relatively common cause of aberrant splicing (PMID: 17576681, 9536098). Algorithms developed to predict the effect of sequence changes on RNA splicing suggest that this variant may disrupt the consensus splice site. In summary, the available evidence is currently insufficient to determine the role of this variant in disease. Therefore, it has been classified as a Variant of Uncertain Significance.

Literature cited by the submitters: PubMed 17576681; PubMed 9536098.